The following is an entry in ClinVar:

NM_000875.5(IGF1R):c.189C>T (p.Leu63=)

Gene: IGF1R (insulin like growth factor 1 receptor; plus strand). Cytogenetic location: 15q26.3.
Variant type: single nucleotide variant.
Coding change: c.189C>T on transcript NM_000875.5 (MANE Select); coding-DNA position 189, C replaced by T.
Protein change: p.Leu63=; no amino-acid change (leucine 63 retained).
Molecular consequence: synonymous variant.
Genome position (GRCh38, 1-based): chr15:98,707,656, C>T. VCF-style: chr15-98707656-C-T. GRCh37 (hg19) VCF-style: chr15-99250885-C-T.
Other names: c.189C>T, p.Leu63= (NM_001291858.2).
Identifiers: ClinVar variation 597907 (VCV000597907.8), dbSNP rs149417802, ClinGen allele CA7751757.
Genomic context (GRCh38, chr15:98,707,656, plus strand): 5'-TCAGCAGCTGAAGCGCCTGGAGAACTGCACGGTGATCGAGGGCTACCTCCACATCCTGCT[C>T]ATCTCCAAGGCCGAGGACTACCGCAGCTACCGCTTCCCCAAGCTCACGGTCATTACCGAG-3'
Protein context (NP_000866.1, residues 53-73): TVIEGYLHIL[Leu63=]ISKAEDYRSY

ClinVar aggregate classification (germline): Conflicting classifications of pathogenicity. Review status: criteria provided, conflicting classifications (1 of 4 stars). 3 submissions from 3 submitters: Uncertain significance (1); Likely benign (2). Last evaluated 2026-08-01.

Allele frequency attached by ClinVar (database versions not stated): gnomAD 0.00003 and 0.00005; TOPMed 0.00005; ESP Exome Variant Server 0.00008; ExAC 0.00010; gnomAD exomes 0.00014.
gnomAD v4.1: 96 of 1,614,028 alleles (0.0059%); highest among the groups gnomAD compares: Middle Eastern, 0.049%; no homozygotes.

Submissions (3):

CeGaT Center for Human Genetics Tuebingen
Classification: Likely benign. Last evaluated: 2026-08-01. Review status: criteria provided, single submitter. Criteria: CeGaT Center For Human Genetics Tuebingen Variant Classification Criteria Version 2. Collection method: clinical testing. Allele origin: germline. Affected: yes. Observed: 1 variant allele.
Comment: IGF1R: BP4, BP7

Labcorp Genetics (formerly Invitae), Labcorp
Classification: Likely benign. Last evaluated: 2025-11-27. Review status: criteria provided, single submitter. Criteria: Invitae Variant Classification Sherloc (09022015). Collection method: clinical testing. Allele origin: germline.

Eurofins Ntd Llc (ga)
Classification: Uncertain significance. Last evaluated: 2018-07-13. Review status: criteria provided, single submitter. Criteria: EGL ClinVar v180209 classification definitions. Collection method: clinical testing. Allele origin: germline. Observed: 1 variant allele, 1 heterozygote.